The following is an entry in ClinVar:

NM_000368.5(TSC1):c.2743C>T (p.His915Tyr)

Gene: TSC1 (TSC complex subunit 1; minus strand). Cytogenetic location: 9q34.13.
Variant type: single nucleotide variant.
Coding change: c.2743C>T on transcript NM_000368.5 (MANE Select); coding-DNA position 2743, C replaced by T.
Protein change: p.His915Tyr; replaces histidine 915 with tyrosine.
Molecular consequence: missense variant. On other transcripts: non-coding transcript variant (5).
Genome position (GRCh38, 1-based): chr9:132,897,493, G>A on the plus strand (C>T on the coding strand, the complement: TSC1 is on the minus strand). VCF-style: chr9-132897493-G-A. GRCh37 (hg19) VCF-style: chr9-135772880-G-A.
Other names: c.2740C>T, p.His914Tyr (NM_001162426.2, NM_001406597.1, NM_001406598.1 and 2 more transcripts); c.2590C>T, p.His864Tyr (NM_001162427.2, NM_001406610.1); c.2380C>T, p.His794Tyr (NM_001362177.2, NM_001406614.1, NM_001406615.1 and 4 more transcripts); c.2743C>T, p.His915Tyr (NM_001406592.1, NM_001406593.1, NM_001406594.1 and 2 more transcripts); c.2701C>T, p.His901Tyr (NM_001406607.1, NM_001406605.1, NM_001406606.1); c.2698C>T, p.His900Tyr (NM_001406608.1, NM_001406609.1); c.2587C>T, p.His863Tyr (NM_001406611.1, NM_001406612.1); c.2545C>T, p.His849Tyr (NM_001406613.1); and 8 more; short protein forms H564Y, H793Y, H900Y, H909Y, H780Y, H864Y, H910Y, H914Y.
Identifiers: ClinVar variation 2858177 (VCV002858177.4), dbSNP rs2131633684, ClinGen allele CA375369265.

ClinVar aggregate classification (germline): Uncertain significance. Review status: criteria provided, multiple submitters, no conflicts (2 of 4 stars). 2 submissions from 2 submitters: Uncertain significance (2). Last evaluated 2025-01-27.

Conditions:
Hereditary cancer-predisposing syndrome. Also called: Hereditary Cancer Syndrome; Hereditary neoplastic syndrome; Neoplastic Syndromes, Hereditary; Tumor predisposition. Identifiers: Orphanet 140162, MedGen C0027672, MeSH D009386, MONDO:0015356.
Tuberous sclerosis 1 (TSC1). Identifiers: Orphanet 805, MedGen C1854465, MONDO:0008612, OMIM 191100.

Submissions (2):

Ambry Genetics
Classification: Uncertain significance for Hereditary cancer-predisposing syndrome. Last evaluated: 2025-01-27. Review status: criteria provided, single submitter. Criteria: Ambry Variant Classification Scheme 2023. Collection method: clinical testing. Allele origin: germline.
Comment: The p.H915Y variant (also known as c.2743C>T), located in coding exon 19 of the TSC1 gene, results from a C to T substitution at nucleotide position 2743. The histidine at codon 915 is replaced by tyrosine, an amino acid with similar properties. This amino acid position is conserved. In addition, this alteration is predicted to be tolerated by in silico analysis. Based on the available evidence, the clinical significance of this variant remains unclear.

Labcorp Genetics (formerly Invitae), Labcorp
Classification: Uncertain significance for Tuberous sclerosis 1. Last evaluated: 2023-04-22. Review status: criteria provided, single submitter. Criteria: Invitae Variant Classification Sherloc (09022015). Collection method: clinical testing. Allele origin: germline.
Comment: In summary, the available evidence is currently insufficient to determine the role of this variant in disease. Therefore, it has been classified as a Variant of Uncertain Significance. Advanced modeling of protein sequence and biophysical properties (such as structural, functional, and spatial information, amino acid conservation, physicochemical variation, residue mobility, and thermodynamic stability) performed at Invitae indicates that this missense variant is not expected to disrupt TSC1 protein function. This variant has not been reported in the literature in individuals affected with TSC1-related conditions. This variant is not present in population databases (gnomAD no frequency). This sequence change replaces histidine, which is basic and polar, with tyrosine, which is neutral and polar, at codon 915 of the TSC1 protein (p.His915Tyr).